The following is an entry in ClinVar:

NM_017849.4(TMEM127):c.554G>A (p.Gly185Glu)

Gene: TMEM127 (transmembrane protein 127; minus strand). Cytogenetic location: 2q11.2.
Variant type: single nucleotide variant.
Coding change: c.554G>A on transcript NM_017849.4 (MANE Select); coding-DNA position 554, G replaced by A.
Protein change: p.Gly185Glu; replaces glycine 185 with glutamic acid.
Molecular consequence: missense variant.
Genome position (GRCh38, 1-based): chr2:96,253,971, C>T on the plus strand (G>A on the coding strand, the complement: TMEM127 is on the minus strand). VCF-style: chr2-96253971-C-T. GRCh37 (hg19) VCF-style: chr2-96919709-C-T.
Other names: c.554G>A, p.Gly185Glu (NM_001193304.3); c.302G>A, p.Gly101Glu (NM_001407282.1, NM_001407283.1); short protein forms G101E, G185E.
Identifiers: ClinVar variation 2063956 (VCV002063956.5), dbSNP rs774413835, ClinGen allele CA1777284.
Genomic context (GRCh38, chr2:96,253,971, plus strand): 5'-TCCTCTTCCTCTGTGGGGTAGTGGCGCAGGAGGTTGGCTGCCGTGGCCAGGATTGAGGCT[C>T]CACCAGCTCCTGCCACCAGGTAGAAGCTAACGGCGAAGGTGACATAGACCTGGGATCCAT-3'
Protein context (NP_060319.1, residues 175-195): VSFYLVAGAG[Gly185Glu]ASILATAANL

ClinVar aggregate classification (germline): Uncertain significance. Review status: criteria provided, multiple submitters, no conflicts (2 of 4 stars). 2 submissions from 2 submitters: Uncertain significance (2). Last evaluated 2024-06-12.

Conditions:
Hereditary cancer-predisposing syndrome. Also called: Tumor predisposition; Hereditary Cancer Syndrome; Hereditary neoplastic syndrome; Neoplastic Syndromes, Hereditary. Identifiers: Orphanet 140162, MedGen C0027672, MeSH D009386, MONDO:0015356.
Hereditary pheochromocytoma and paraganglioma. Also called: Hereditary paragangliomas and pheochromocytomas; Hereditary Paraganglioma-Pheochromocytoma Syndromes; Hereditary pheochromocytoma-paraganglioma. Identifiers: Orphanet 29072, MedGen C4274332, MONDO:0017366.

Allele frequency attached by ClinVar (database versions not stated): gnomAD exomes below 0.00001; ExAC 0.00002.
gnomAD v4.1: 2 of 1,614,140 alleles (0.00012%); highest among the groups gnomAD compares: South Asian, 0.0011%; no homozygotes.

Submissions (2):

Ambry Genetics
Classification: Uncertain significance for Hereditary cancer-predisposing syndrome. Last evaluated: 2024-06-12. Review status: criteria provided, single submitter. Criteria: Ambry Variant Classification Scheme 2023. Collection method: clinical testing. Allele origin: germline.
Comment: The p.G185E variant (also known as c.554G>A), located in coding exon 3 of the TMEM127 gene, results from a G to A substitution at nucleotide position 554. The glycine at codon 185 is replaced by glutamic acid, an amino acid with similar properties. This amino acid position is conserved. In addition, this alteration is predicted to be deleterious by in silico analysis. Based on the available evidence, the clinical significance of this variant remains unclear.

Labcorp Genetics (formerly Invitae), Labcorp
Classification: Uncertain significance for Hereditary pheochromocytoma and paraganglioma. Last evaluated: 2022-07-15. Review status: criteria provided, single submitter. Criteria: Invitae Variant Classification Sherloc (09022015). Collection method: clinical testing. Allele origin: germline.
Comment: This variant is present in population databases (rs774413835, gnomAD 0.003%). This sequence change replaces glycine, which is neutral and non-polar, with glutamic acid, which is acidic and polar, at codon 185 of the TMEM127 protein (p.Gly185Glu). This variant has not been reported in the literature in individuals affected with TMEM127-related conditions. In summary, the available evidence is currently insufficient to determine the role of this variant in disease. Therefore, it has been classified as a Variant of Uncertain Significance. Algorithms developed to predict the effect of missense changes on protein structure and function (SIFT, PolyPhen-2, Align-GVGD) all suggest that this variant is likely to be disruptive.